The following is an entry in ClinVar:

NM_016239.4(MYO15A):c.1618C>T (p.Arg540Cys)

Gene: MYO15A (myosin XVA; plus strand). Cytogenetic location: 17p11.2.
Variant type: single nucleotide variant.
Coding change: c.1618C>T on transcript NM_016239.4 (MANE Select); coding-DNA position 1618, C replaced by T.
Protein change: p.Arg540Cys; replaces arginine 540 with cysteine.
Molecular consequence: missense variant.
Genome position (GRCh38, 1-based): chr17:18,120,418, C>T. VCF-style: chr17-18120418-C-T. GRCh37 (hg19) VCF-style: chr17-18023732-C-T.
Other names: short protein forms R540C.
Identifiers: ClinVar variation 5036965 (VCV005036965.1).

ClinVar aggregate classification (germline): Uncertain significance (1 of 4 stars; one submission).

gnomAD v4.1: 10 of 1,601,538 alleles (0.00062%); highest among the groups gnomAD compares: African/African-American, 0.0027%; no homozygotes.

Submission:

GeneDx
Classification: Uncertain significance. Last evaluated: 2026-04-16. Review status: criteria provided, single submitter. Criteria: GeneDx Variant Classification Process June 2021. Collection method: clinical testing. Allele origin: germline.
Comment: Not observed at significant frequency in large population cohorts (gnomAD); In silico analysis suggests that this missense variant does not alter protein structure/function; Has not been previously published as pathogenic or benign to our knowledge